The following is an entry in ClinVar:

ClinVar aggregate classification (germline): Uncertain significance (1 of 4 stars; one submission).

Conditions:
Microcephaly 26, primary, autosomal dominant. Identifiers: MedGen C5543048, MONDO:0030928, OMIM 619179.

Submission:

Victorian Clinical Genetics Services, Murdoch Childrens Research Institute
Classification: Uncertain significance for Microcephaly 26, primary, autosomal dominant. Last evaluated: 2026-05-25. Review status: criteria provided, single submitter. Criteria: ACMG Guidelines, 2015. Collection method: clinical testing. Allele origin: germline. Affected: yes.
Comment: This variant is classified as VUS-3B. Evidence in support of pathogenic classification: Variant is absent from gnomAD (v2, v3 and v4); Missense variant predicted to be damaging by in silico tool(s) or highly conserved with a major amino acid change. Additional information: Variant is predicted to result in a missense amino acid change from Val to Gly; This variant is heterozygous; This gene is associated with autosomal dominant disease; Alternative amino acid change(s) at the same position are present in gnomAD (highest allele count: v4: 9 heterozygote(s), 0 homozygote(s)); This variant has no previous evidence of pathogenicity; No published evidence of segregation with disease has been identified for this variant; No published functional evidence has been identified for this variant; No comparable missense variants have previous evidence for pathogenicity; Variant is located in the annotated filament, coiled coil domain (DECIPHER); The mechanism of disease for this gene is not clearly established. However, triplosensitivity has been suggested for leukodystrophy, adult-onset (MIM#169500), as copy number variants are associated with this condition. In addition, dominant-negative has been suggested for primary microcephaly 26 (MIM#619179); Variants in this gene are known to have variable expressivity. Variable degrees of intellectual disability and neurological features have been reported in individuals with microcephaly (PMID: 32910914); Inheritance information for this variant is not currently available in this individual.

Literature cited by the submitters: PubMed 32910914.

NM_005573.4(LMNB1):c.689T>G (p.Val230Gly)

Gene: LMNB1 (lamin B1; plus strand). Cytogenetic location: 5q23.2.
Variant type: single nucleotide variant.
Coding change: c.689T>G on transcript NM_005573.4 (MANE Select); coding-DNA position 689, T replaced by G.
Protein change: p.Val230Gly; replaces valine 230 with glycine.
Molecular consequence: missense variant. On other transcripts: non-coding transcript variant (2).
Genome position (GRCh38, 1-based): chr5:126,810,226, T>G. VCF-style: chr5-126810226-T-G. GRCh37 (hg19) VCF-style: chr5-126145918-T-G.
Other names: c.59T>G, p.Val20Gly (NM_001198557.2); short protein forms V20G, V230G.
Identifiers: ClinVar variation 4879727 (VCV004879727.1).
Genomic context (GRCh38, chr5:126,810,226, plus strand): 5'-TGTTTTTTCCCCAGGAGATTAACGAGACCAGAAGGAAGCATGAAACGCGCTTGGTAGAGG[T>G]GGATTCTGGGCGTCAAATTGAGTATGAGTACAAGCTGGCGCAAGCCCTTCATGAGATGAG-3'
Protein context (NP_005564.1, residues 220-240): RRKHETRLVE[Val230Gly]DSGRQIEYEY